The following is an entry in ClinVar:

ClinVar aggregate classification (germline): Uncertain significance (1 of 4 stars; one submission).

Submission:

Labcorp Genetics (formerly Invitae), Labcorp
Classification: Uncertain significance. Last evaluated: 2025-03-10. Review status: criteria provided, single submitter. Criteria: Invitae Variant Classification Sherloc (09022015). Collection method: clinical testing. Allele origin: germline.
Comment: This sequence change replaces isoleucine, which is neutral and non-polar, with valine, which is neutral and non-polar, at codon 545 of the CRAT protein (p.Ile545Val). This variant is not present in population databases (gnomAD no frequency). This variant has not been reported in the literature in individuals affected with CRAT-related conditions. Invitae Evidence Modeling of protein sequence and biophysical properties (such as structural, functional, and spatial information, amino acid conservation, physicochemical variation, residue mobility, and thermodynamic stability) indicates that this missense variant is not expected to disrupt CRAT protein function with a negative predictive value of 80%. In summary, the available evidence is currently insufficient to determine the role of this variant in disease. Therefore, it has been classified as a Variant of Uncertain Significance.

NM_000755.5(CRAT):c.1633A>G (p.Ile545Val)

Gene: CRAT (carnitine O-acetyltransferase; minus strand). Cytogenetic location: 9q34.11.
Variant type: single nucleotide variant.
Coding change: c.1633A>G on transcript NM_000755.5 (MANE Select); coding-DNA position 1633, A replaced by G.
Protein change: p.Ile545Val; replaces isoleucine 545 with valine.
Molecular consequence: missense variant. On other transcripts: intron variant (2).
Genome position (GRCh38, 1-based): chr9:129,096,030, T>C on the plus strand (A>G on the coding strand, the complement: CRAT is on the minus strand). VCF-style: chr9-129096030-T-C. GRCh37 (hg19) VCF-style: chr9-131858309-T-C.
Other names: c.1570A>G, p.Ile524Val (NM_001257363.3, NM_004003.4); c.1636A>G, p.Ile546Val (NM_001346546.2); c.1513A>G, p.Ile505Val (NM_001346549.2); c.1593+40A>G (NM_001346547.2); c.1530+40A>G (NM_001346548.2); short protein forms I505V, I524V, I545V, I546V.
Identifiers: ClinVar variation 4810832 (VCV004810832.1).